The following is an entry in ClinVar:

ClinVar aggregate classification (germline): Uncertain significance (1 of 4 stars; one submission).

Conditions:
Alstrom syndrome (ALMS). Identifiers: Orphanet 64, MedGen C0268425, MONDO:0008763, OMIM 203800.

Submission:

Labcorp Genetics (formerly Invitae), Labcorp
Classification: Uncertain significance for Alstrom syndrome. Last evaluated: 2022-02-06. Review status: criteria provided, single submitter. Criteria: Invitae Variant Classification Sherloc (09022015). Collection method: clinical testing. Allele origin: germline.
Comment: This variant has not been reported in the literature in individuals affected with ALMS1-related conditions. This sequence change replaces threonine, which is neutral and polar, with serine, which is neutral and polar, at codon 531 of the ALMS1 protein (p.Thr531Ser). This variant is not present in population databases (gnomAD no frequency). Experimental studies and prediction algorithms are not available or were not evaluated, and the functional significance of this variant is currently unknown. In summary, the available evidence is currently insufficient to determine the role of this variant in disease. Therefore, it has been classified as a Variant of Uncertain Significance.

NM_001378454.1(ALMS1):c.1589C>G (p.Thr530Ser)

Gene: ALMS1 (ALMS1 centrosome and basal body associated protein; plus strand). Cytogenetic location: 2p13.1.
Variant type: single nucleotide variant.
Coding change: c.1589C>G on transcript NM_001378454.1 (MANE Select); coding-DNA position 1589, C replaced by G.
Protein change: p.Thr530Ser; replaces threonine 530 with serine.
Molecular consequence: missense variant.
Genome position (GRCh38, 1-based): chr2:73,448,116, C>G. VCF-style: chr2-73448116-C-G. GRCh37 (hg19) VCF-style: chr2-73675243-C-G.
Other names: c.1592C>G, p.Thr531Ser (NM_015120.4); short protein forms T531S, T530S.
Identifiers: ClinVar variation 2093771 (VCV002093771.4), dbSNP rs2466091639, ClinGen allele CA347264846.
Genomic context (GRCh38, chr2:73,448,116, plus strand): 5'-TATCCTTGTCCCTTGAGGACCTGTCTCAGTTGGCTGTAAGTTCTCCTCTAGAAACTACTA[C>G]TGGTCAACACACTGATACTCTCAACCAAAAGACATTAGCAGATACTCATCTAACTGAAGA-3'
Protein context (NP_001365383.1, residues 520-540): LAVSSPLETT[Thr530Ser]GQHTDTLNQK